The following is an entry in ClinVar:

ClinVar aggregate classification (germline): Uncertain significance (1 of 4 stars; one submission).

Submission:

Dasa
Classification: Uncertain significance. Last evaluated: 2026-08-03. Review status: criteria provided, single submitter. Criteria: DASA Assertion Criteria. Collection method: clinical testing. Allele origin: germline.
Comment: NM_005639.3(SYT1):c.746A>T (p.Asn249Ile) is a missense variant that results in the substitution of asparagine with isoleucine. This variant is rare in population databases. The currently available literature and clinical evidence are not sufficient to establish a definitive association between this variant and the reported condition. Therefore, this variant is classified as a variant of uncertain significance.

NM_005639.3(SYT1):c.746A>T (p.Asn249Ile)

Gene: SYT1 (synaptotagmin 1; plus strand). Cytogenetic location: 12q21.2.
Variant type: single nucleotide variant.
Coding change: c.746A>T on transcript NM_005639.3 (MANE Select); coding-DNA position 746, A replaced by T.
Protein change: p.Asn249Ile; replaces asparagine 249 with isoleucine.
Molecular consequence: missense variant.
Genome position (GRCh38, 1-based): chr12:79,299,487, A>T. VCF-style: chr12-79299487-A-T. GRCh37 (hg19) VCF-style: chr12-79693267-A-T.
Other names: c.746A>T, p.Asn249Ile (NM_001415940.1, NM_001135805.2, NM_001135806.2 and 2 more transcripts); c.737A>T, p.Asn246Ile (NM_001415941.1, NM_001415942.1, NM_001415943.1 and 1 more transcripts); short protein forms N246I, N249I.
Identifiers: ClinVar variation 5020821 (VCV005020821.1).
Genomic context (GRCh38, chr12:79,299,487, plus strand): 5'-TATATGATTTTGATCGTTTCTCTAAGCATGACATCATTGGAGAATTTAAAGTCCCTATGA[A>T]CACAGTGGATTTTGGCCATGTAACTGAGGAATGGCGTGACCTGCAAAGTGCTGAGAAGGA-3'
Protein context (NP_005630.1, residues 239-259): DIIGEFKVPM[Asn249Ile]TVDFGHVTEE